The following is an entry in ClinVar:

ClinVar aggregate classification (germline): Uncertain significance (1 of 4 stars; one submission).

Conditions:
Welander distal myopathy (WDM). Also called: Welander distal myopathy, Swedish type; Distal myopathy, Swedish type; MUSCULAR DYSTROPHY, DISTAL, LATE-ONSET, AUTOSOMAL DOMINANT; Gower's muscular dystrophy. Identifiers: Orphanet 603, MedGen C0221054, MONDO:0011466, OMIM 604454.

Submission:

Labcorp Genetics (formerly Invitae), Labcorp
Classification: Uncertain significance for Welander distal myopathy. Last evaluated: 2022-06-20. Review status: criteria provided, single submitter. Criteria: Invitae Variant Classification Sherloc (09022015). Collection method: clinical testing. Allele origin: germline.
Comment: In summary, the available evidence is currently insufficient to determine the role of this variant in disease. Therefore, it has been classified as a Variant of Uncertain Significance. This variant has not been reported in the literature in individuals affected with TIA1-related conditions. A gross deletion of the genomic region encompassing the full coding sequence of the TIA1 gene has been identified. The current clinical and genetic evidence is not sufficient to establish whether loss-of-function variants in TIA1 cause disease. The boundaries of this event are unknown as they extend beyond the assayed region for this gene and therefore may encompass additional genes.

NC_000002.12:g.(?_70212709)_(70248440_?)del

Gene: TIA1 (TIA1 cytotoxic granule associated RNA binding protein; minus strand). Cytogenetic location: 2p13.3.
Variant type: Deletion.
Identifiers: ClinVar variation 832328 (VCV000832328.3).